The following is an entry in ClinVar:

NM_001009944.3(PKD1):c.4797C>G (p.Tyr1599Ter)

Gene: PKD1 (polycystin 1, transient receptor potential channel interacting; minus strand). Cytogenetic location: 16p13.3.
Variant type: single nucleotide variant.
Coding change: c.4797C>G on transcript NM_001009944.3 (MANE Select); coding-DNA position 4797, C replaced by G.
Protein change: p.Tyr1599Ter; replaces tyrosine 1599 with a stop codon.
Molecular consequence: nonsense.
Genome position (GRCh38, 1-based): chr16:2,110,370, G>C on the plus strand (C>G on the coding strand, the complement: PKD1 is on the minus strand). VCF-style: chr16-2110370-G-C. GRCh37 (hg19) VCF-style: chr16-2160371-G-C.
Other names: c.4797C>G, p.Tyr1599Ter (NM_000296.4); short protein forms Y1599*.
Identifiers: ClinVar variation 3376942 (VCV003376942.3).

ClinVar aggregate classification (germline): Pathogenic. Review status: criteria provided, multiple submitters, no conflicts (2 of 4 stars). 3 submissions from 3 submitters: Pathogenic (3). Last evaluated 2024-10-08.

Conditions:
Polycystic kidney disease, adult type (PKD1). Also called: POLYCYSTIC KIDNEY DISEASE, ADULT, TYPE I; Polycystic Kidney Disease 1, Autosomal Dominant; Polycystic kidney disease 1; Polycystic kidney disease 1, severe; Polycystic Kidney, Autosomal Dominant; POLYCYSTIC KIDNEY DISEASE 1 WITH OR WITHOUT POLYCYSTIC LIVER DISEASE. Identifiers: MedGen C3149841, MONDO:0008263, OMIM 173900.

Submissions (3):

Victorian Clinical Genetics Services, Murdoch Childrens Research Institute
Classification: Pathogenic for Polycystic kidney disease, adult type. Last evaluated: 2024-10-08. Review status: criteria provided, single submitter. Criteria: ACMG Guidelines, 2015. Collection method: clinical testing. Allele origin: germline. Inheritance: Autosomal dominant inheritance. Affected: yes.
Comment: Based on the classification scheme VCGS_Germline_v1.3.4, this variant is classified as Pathogenic. Following criteria are met: 0102 - Loss of function is a known mechanism of disease in this gene and is associated with polycystic kidney disease 1 (MIM#173900). (I) 0107 - This gene is associated with autosomal dominant disease. Polycystic kidney disease 1 (MIM#173900) is predominantly caused by monoallelic variants, with rare reports of biallelic variants causing disease (OMIM). (I) 0201 - Variant is predicted to cause nonsense-mediated decay (NMD) and loss of protein (premature termination codon is located at least 54 nucleotides upstream of the final exon-exon junction). (SP) 0251 - This variant is heterozygous. (I) 0301 - Variant is absent from gnomAD (both v2 and v3). (SP) 0701 - Other NMD-predicted variants comparable to the one identified in this case have very strong previous evidence for pathogenicity (DECIPHER). (SP) 0801 - This variant has strong previous evidence of pathogenicity in unrelated individuals. It has been reported as pathogenic and de novo in an individual with polycystic kidney disease (PMID: 22508176). Additionally, this nonsense variant resulting from an alternative nucleotide change (c.4797C>A) has been reported as pathogenic by multiple clinical testing laboratories (ClinVar). (SP) 1208 - Inheritance information for this variant is not currently available in this individual. (I) Legend: (SP) - Supporting pathogenic, (I) - Information, (SB) - Supporting benign

Fulgent Genetics
Classification: Pathogenic for Polycystic kidney disease, adult type. Last evaluated: 2024-06-13. Review status: criteria provided, single submitter. Criteria: ACMG Guidelines, 2015. Collection method: clinical testing. Allele origin: germline.

Laboratorio de Genetica e Diagnostico Molecular, Hospital Israelita Albert Einstein
Classification: Pathogenic for Polycystic kidney disease, adult type. Last evaluated: 2024-03-18. Review status: criteria provided, single submitter. Criteria: ACMG Guidelines, 2015. Collection method: clinical testing. Allele origin: germline. Affected: yes.
Comment: ACMG classification criteria: PVS1 very strong, PS4 supporting, PM2 supporting

Literature cited by the submitters: PubMed 22508176 (cited by Victorian Clinical Genetics Services, Murdoch Childrens Research Institute).